The following is an entry in ClinVar:

NM_024675.4(PALB2):c.3437A>T (p.Gln1146Leu)

Gene: PALB2 (partner and localizer of BRCA2; minus strand). Cytogenetic location: 16p12.2.
Variant type: single nucleotide variant.
Coding change: c.3437A>T on transcript NM_024675.4 (MANE Select); coding-DNA position 3437, A replaced by T.
Protein change: p.Gln1146Leu; replaces glutamine 1146 with leucine.
Molecular consequence: missense variant.
Genome position (GRCh38, 1-based): chr16:23,603,583, T>A on the plus strand (A>T on the coding strand, the complement: PALB2 is on the minus strand). VCF-style: chr16-23603583-T-A. GRCh37 (hg19) VCF-style: chr16-23614904-T-A.
Other names: short protein forms Q1146L.
Identifiers: ClinVar variation 1050209 (VCV001050209.9), dbSNP rs587780219, ClinGen allele CA395138152.
Genomic context (GRCh38, chr16:23,603,583, plus strand): 5'-CCCGACCATTTCACAAAAGACCAATGTTGGTCAGAGACAGGTGGGAGGAGGGCAGTACAC[T>A]GACCGAGAAGTAAGTCCCAAATGGCAATTGTTCCAGAAGTCAAGATTGCTGCTGCACAGT-3'
Protein context (NP_078951.2, residues 1136-1156): TIAIWDLLLG[Gln1146Leu]CTALLPPVSD

ClinVar aggregate classification (germline): Uncertain significance. Review status: criteria provided, multiple submitters, no conflicts (2 of 4 stars). 4 submissions from 4 submitters: Uncertain significance (3). 1 of the submissions does not count toward it. Last evaluated 2025-11-26.

Conditions:
Hereditary cancer-predisposing syndrome. Also called: Tumor predisposition; Hereditary neoplastic syndrome; Hereditary Cancer Syndrome; Neoplastic Syndromes, Hereditary. Identifiers: Orphanet 140162, MedGen C0027672, MeSH D009386, MONDO:0015356.
Endometrial carcinoma. Also called: Endometrial carcinoma, somatic. Identifiers: MedGen C0476089, MONDO:0002447, OMIM 608089, HP:0012114.
Familial cancer of breast. Also called: BREAST CANCER, FAMILIAL; Hereditary breast cancer; hereditary breast carcinoma. Identifiers: Orphanet 227535, MedGen C0346153, MONDO:0016419, OMIM 114480. Disease mechanism: loss of function.

Submissions (4):

Labcorp Genetics (formerly Invitae), Labcorp
Classification: Uncertain significance for Familial cancer of breast. Last evaluated: 2025-11-26. Review status: criteria provided, single submitter. Criteria: Invitae Variant Classification Sherloc (09022015). Collection method: clinical testing. Allele origin: germline.
Comment: This sequence change replaces glutamine, which is neutral and polar, with leucine, which is neutral and non-polar, at codon 1146 of the PALB2 protein (p.Gln1146Leu). This variant is not present in population databases (gnomAD no frequency). This variant has not been reported in the literature in individuals affected with PALB2-related conditions. ClinVar contains an entry for this variant (Variation ID: 1050209). An algorithm developed to predict the effect of missense changes on protein structure and function (PolyPhen-2) suggests that this variant is likely to be tolerated. In summary, the available evidence is currently insufficient to determine the role of this variant in disease. Therefore, it has been classified as a Variant of Uncertain Significance.

Ambry Genetics
Classification: Uncertain significance for Hereditary cancer-predisposing syndrome. Last evaluated: 2023-04-28. Review status: criteria provided, single submitter. Criteria: Ambry Variant Classification Scheme 2023. Collection method: clinical testing. Allele origin: germline.
Comment: The p.Q1146L variant (also known as c.3437A>T), located in coding exon 13 of the PALB2 gene, results from an A to T substitution at nucleotide position 3437. The glutamine at codon 1146 is replaced by leucine, an amino acid with dissimilar properties. This amino acid position is conserved. In addition, this alteration is predicted to be tolerated by in silico analysis. Since supporting evidence is limited at this time, the clinical significance of this alteration remains unclear.

GeneDx
Classification: Uncertain significance. Last evaluated: 2019-12-27. Review status: criteria provided, single submitter. Criteria: GeneDx Variant Classification Process June 2021. Collection method: clinical testing. Allele origin: germline. Affected: yes.
Comment: Not observed in large population cohorts (Lek et al., 2016); In silico analysis, which includes protein predictors and evolutionary conservation, supports a deleterious effect; Has not been previously published as pathogenic or benign to our knowledge

Department of Pathology and Laboratory Medicine, Sinai Health System
Classification: Uncertain significance for Endometrial carcinoma. Review status: no assertion criteria provided. Collection method: clinical testing. Allele origin: unknown. Affected: yes. Observed: 2 variant alleles. Study: The Canadian Open Genetics Repository (COGR). Not counted in ClinVar's aggregate classification.
Comment: The PALB2 p.Gln1146Leu variant was not identified in the literature nor was it identified in the dbSNP, ClinVar, Cosmic, MutDB, LOVD 3.0, Zhejiang University Database, the Exome Aggregation Consortium (August 8th 2016), or the Genome Aggregation Database (Feb 27, 2017). The p.Gln1146 residue is not conserved in mammals and four out of five computational analyses (PolyPhen-2, SIFT, AlignGVGD, BLOSUM, MutationTaster) do not suggest a high likelihood of impact to the protein; however, this information is not predictive enough to rule out pathogenicity. The variant occurs outside of the splicing consensus sequence and 3 of 4 in silico or computational prediction software programs (SpliceSiteFinder, MaxEntScan, NNSPLICE, GeneSplicer) predict a greater than 10% difference in splicing. However, this information is not predictive enough to assume pathogenicity. In summary, based on the above information the clinical significance of this variant cannot be determined with certainty at this time. This variant is classified as a variant of uncertain significance.